The following is an entry in ClinVar:

NM_015178.3(RHOBTB2):c.734T>C (p.Val245Ala)

Gene: RHOBTB2 (Rho related BTB domain containing 2; plus strand). Cytogenetic location: 8p21.3.
Variant type: single nucleotide variant.
Coding change: c.734T>C on transcript NM_015178.3 (MANE Select); coding-DNA position 734, T replaced by C.
Protein change: p.Val245Ala; replaces valine 245 with alanine.
Molecular consequence: missense variant.
Genome position (GRCh38, 1-based): chr8:23,006,979, T>C. VCF-style: chr8-23006979-T-C. GRCh37 (hg19) VCF-style: chr8-22864492-T-C.
Other names: c.800T>C (NM_001160036.1); c.800T>C, p.Val267Ala (NM_001160036.2); c.755T>C, p.Val252Ala (NM_001160037.2); c.734T>C, p.Val245Ala (NM_001374791.1); short protein forms V245A, V252A, V267A.
Identifiers: ClinVar variation 1111820 (VCV001111820.35), dbSNP rs146491810, ClinGen allele CA4672526.

ClinVar aggregate classification (germline): Likely benign. Review status: criteria provided, multiple submitters, no conflicts (2 of 4 stars). 5 submissions from 5 submitters: Likely benign (4). 1 of the submissions does not count toward it. Last evaluated 2026-04-01.

Conditions:
RHOBTB2-related disorder. Also called: RHOBTB2-related condition.
Inborn genetic diseases. Identifiers: MedGen C0950123, MeSH D030342.

Allele frequency attached by ClinVar (database versions not stated): ESP Exome Variant Server 0.00115; 1000 Genomes Project 0.00120; TOPMed 0.00132; ExAC 0.00141; gnomAD exomes 0.00142 and 0.00191; gnomAD 0.00143 and 0.00144; 1000 Genomes Project 30x 0.00156.
gnomAD v4.1: 3,017 of 1,610,682 alleles (0.19%); highest among the groups gnomAD compares: Non-Finnish European, 0.23%; 5 homozygotes.

Submissions (5):

CeGaT Center for Human Genetics Tuebingen
Classification: Likely benign. Last evaluated: 2026-04-01. Review status: criteria provided, single submitter. Criteria: CeGaT Center For Human Genetics Tuebingen Variant Classification Criteria Version 2. Collection method: clinical testing. Allele origin: germline. Affected: yes. Observed: 5 variant alleles.
Comment: RHOBTB2: BS2

Labcorp Genetics (formerly Invitae), Labcorp
Classification: Likely benign. Last evaluated: 2026-02-02. Review status: criteria provided, single submitter. Criteria: Invitae Variant Classification Sherloc (09022015). Collection method: clinical testing. Allele origin: germline.

Blueprint Genetics
Classification: Likely benign. Last evaluated: 2024-11-21. Review status: criteria provided, single submitter. Criteria: ACMG Guidelines, 2015. Collection method: clinical testing. Allele origin: germline.

Ambry Genetics
Classification: Likely benign for Inborn genetic diseases. Last evaluated: 2021-06-30. Review status: criteria provided, single submitter. Criteria: Ambry Variant Classification Scheme 2023. Collection method: clinical testing. Allele origin: germline.

PreventionGenetics, part of Exact Sciences
Classification: Likely benign for RHOBTB2-related condition. Last evaluated: 2019-06-21. Review status: no assertion criteria provided. Collection method: clinical testing. Allele origin: germline. Not counted in ClinVar's aggregate classification.
Comment: This variant is classified as likely benign based on ACMG/AMP sequence variant interpretation guidelines (Richards et al. 2015 PMID: 25741868, with internal and published modifications).